The following is an entry in ClinVar:

ClinVar aggregate classification (germline): Likely benign (0 of 4 stars; one submission).

Conditions:
SARDH-related disorder. Also called: SARDH-related condition.

Allele frequency attached by ClinVar (database versions not stated): TOPMed below 0.00001; gnomAD exomes 0.00001.
gnomAD v4.1: 7 of 1,614,094 alleles (0.00043%); highest among the groups gnomAD compares: Admixed American, 0.0033%; no homozygotes.

Submission:

PreventionGenetics, part of Exact Sciences
Classification: Likely benign for SARDH-related condition. Last evaluated: 2019-06-13. Review status: no assertion criteria provided. Collection method: clinical testing. Allele origin: germline.
Comment: This variant is classified as likely benign based on ACMG/AMP sequence variant interpretation guidelines (Richards et al. 2015 PMID: 25741868, with internal and published modifications).

NM_001134707.2(SARDH):c.814+7G>A

Gene: SARDH (sarcosine dehydrogenase; minus strand). Cytogenetic location: 9q34.2.
Variant type: single nucleotide variant.
Coding change: c.814+7G>A on transcript NM_001134707.2 (MANE Select); 7 bases into the intron after coding-DNA position 814, G replaced by A.
Molecular consequence: intron variant.
Genome position (GRCh38, 1-based): chr9:133,730,057, C>T on the plus strand (G>A on the coding strand, the complement: SARDH is on the minus strand). VCF-style: chr9-133730057-C-T. GRCh37 (hg19) VCF-style: chr9-136595179-C-T.
Other names: c.814+7G>A (NM_007101.4).
Identifiers: ClinVar variation 3033298 (VCV003033298.2), dbSNP rs1185508676, ClinGen allele CA1882821185.
Genomic context (GRCh38, chr9:133,730,057, plus strand): 5'-AGGTGGGAGCAGGTTTAGGGAGCAGCCAGCATGGCCACACAGGAGTCAGGAGAAATGCCA[C>T]TCGCACCTGCACAGTTGACCACGCAGGGTGTCTGGATGGAACCATGCTGAGTCTCCACAC-3'